The following is an entry in ClinVar:

NM_001903.5(CTNNA1):c.2256dup (p.Gly753fs)

Gene: CTNNA1 (catenin alpha 1; plus strand). Cytogenetic location: 5q31.2.
Variant type: Duplication.
Coding change: c.2256dup on transcript NM_001903.5 (MANE Select); coding-DNA position 2256, one base duplicated (A; older notation c.2256dupA).
Protein change: p.Gly753fs; shifts the reading frame from glycine 753.
Molecular consequence: frameshift variant.
Genome position (GRCh38, 1-based): chr5:138,930,893, A duplicated. VCF-style (leftmost placement, unchanged base first): chr5-138930892-C-CA. GRCh37 (hg19) VCF-style: chr5-138266581-C-CA.
Other names: c.2256dup, p.Gly753fs (NM_001323984.2, NM_001323985.2, NM_001290307.3 and 2 more transcripts); c.2163dup, p.Gly722fs (NM_001323986.2); c.1146dup, p.Gly383fs (NM_001323991.1, NM_001323992.1, NM_001323987.1 and 17 more transcripts); c.1947dup, p.Gly650fs (NM_001290309.3); c.1887dup, p.Gly630fs (NM_001290310.3); c.807dup, p.Gly270fs (NM_001324006.1, NM_001324007.1, NM_001324008.1 and 2 more transcripts); c.1053dup, p.Gly352fs (NM_001324011.1); c.903dup, p.Gly302fs (NM_001324012.1, NM_001324013.1); short protein forms G650fs, G753fs, G352fs, G722fs, G270fs, G302fs, G383fs, G630fs.
Identifiers: ClinVar variation 3498234 (VCV003498234.1).
Genomic context (GRCh38, chr5:138,930,892, plus strand): 5'-GTAAAGGACCACTCAAAAATACATCGGATGTCATCAGTGCTGCCAAGAAAATTGCTGAGG[C>CA]AGGATCCAGGATGGACAAGCTTGGCCGCACCATTGCAGACCATGTAAGTGACAGACTTGC-3'

ClinVar aggregate classification (germline): Uncertain significance (1 of 4 stars; one submission).

Conditions:
Hereditary cancer-predisposing syndrome. Also called: Tumor predisposition; Neoplastic Syndromes, Hereditary; Hereditary Cancer Syndrome; Hereditary neoplastic syndrome. Identifiers: Orphanet 140162, MedGen C0027672, MeSH D009386, MONDO:0015356.

Submission:

Ambry Genetics
Classification: Uncertain significance for Hereditary cancer-predisposing syndrome. Last evaluated: 2024-09-13. Review status: criteria provided, single submitter. Criteria: Ambry Variant Classification Scheme 2023. Collection method: clinical testing. Allele origin: germline.
Comment: The c.2256dupA variant, located in coding exon 15 of the CTNNA1 gene, results from a duplication of A at nucleotide position 2256, causing a translational frameshift with a predicted alternate stop codon (p.G753Rfs*125). This alteration is expected to result in loss of function by premature protein truncation or nonsense-mediated mRNA decay. The evidence for this gene-disease relationship is limited; therefore, the clinical significance of this alteration is unclear.